The following is an entry in ClinVar:

ClinVar aggregate classification (germline): Uncertain significance (1 of 4 stars; one submission).

Allele frequency attached by ClinVar (database versions not stated): gnomAD exomes below 0.00001 and 0.00001; gnomAD 0.00001; TOPMed 0.00001.
gnomAD v4.1: 12 of 1,613,934 alleles (0.00074%); highest among the groups gnomAD compares: Admixed American, 0.0017%; no homozygotes.

Submission:

Labcorp Genetics (formerly Invitae), Labcorp
Classification: Uncertain significance. Last evaluated: 2021-08-26. Review status: criteria provided, single submitter. Criteria: Invitae Variant Classification Sherloc (09022015). Collection method: clinical testing. Allele origin: germline.
Comment: This sequence change replaces glycine with arginine at codon 3121 of the VCAN protein (p.Gly3121Arg). The glycine residue is highly conserved and there is a moderate physicochemical difference between glycine and arginine. This variant is not present in population databases (ExAC no frequency). This variant has not been reported in the literature in individuals affected with VCAN-related conditions. Algorithms developed to predict the effect of missense changes on protein structure and function (SIFT, PolyPhen-2, Align-GVGD) all suggest that this variant is likely to be disruptive. In summary, the available evidence is currently insufficient to determine the role of this variant in disease. Therefore, it has been classified as a Variant of Uncertain Significance.

NM_004385.5(VCAN):c.9361G>A (p.Gly3121Arg)

Genes: VCAN (versican; plus strand), VCAN-AS1 (VCAN antisense RNA 1; minus strand). Cytogenetic location: 5q14.3.
Variant type: single nucleotide variant.
Coding change: c.9361G>A on transcript NM_004385.5 (MANE Select); coding-DNA position 9361, G replaced by A.
Protein change: p.Gly3121Arg; replaces glycine 3121 with arginine.
Molecular consequence: missense variant.
Genome position (GRCh38, 1-based): chr5:83,545,632, G>A. VCF-style: chr5-83545632-G-A. GRCh37 (hg19) VCF-style: chr5-82841451-G-A.
Other names: c.1138G>A, p.Gly380Arg (NM_001126336.3); c.6400G>A, p.Gly2134Arg (NM_001164097.2); c.4099G>A, p.Gly1367Arg (NM_001164098.2); short protein forms G1367R, G380R, G3121R, G2134R.
Identifiers: ClinVar variation 961029 (VCV000961029.6), dbSNP rs1314929549, ClinGen allele CA360296585.